The following is an entry in ClinVar:

ClinVar aggregate classification (germline): Uncertain significance (1 of 4 stars; one submission).

Submission:

Labcorp Genetics (formerly Invitae), Labcorp
Classification: Uncertain significance. Last evaluated: 2020-03-23. Review status: criteria provided, single submitter. Criteria: Invitae Variant Classification Sherloc (09022015). Collection method: clinical testing. Allele origin: germline.
Comment: This variant has not been reported in the literature in individuals with CEP78-related conditions. This sequence change replaces cysteine with arginine at codon 246 of the CEP78 protein (p.Cys246Arg). The cysteine residue is weakly conserved and there is a large physicochemical difference between cysteine and arginine. This variant is not present in population databases (ExAC no frequency). Algorithms developed to predict the effect of missense changes on protein structure and function output the following: SIFT: "Tolerated"; PolyPhen-2: "Benign"; Align-GVGD: "Class C0". The arginine amino acid residue is found in multiple mammalian species, suggesting that this missense change does not adversely affect protein function. These predictions have not been confirmed by published functional studies and their clinical significance is uncertain. In summary, the available evidence is currently insufficient to determine the role of this variant in disease. Therefore, it has been classified as a Variant of Uncertain Significance.

NM_001330691.3(CEP78):c.736T>C (p.Cys246Arg)

Gene: CEP78 (centrosomal protein 78; plus strand). Cytogenetic location: 9q21.2.
Variant type: single nucleotide variant.
Coding change: c.736T>C on transcript NM_001330691.3 (MANE Select); coding-DNA position 736, T replaced by C.
Protein change: p.Cys246Arg; replaces cysteine 246 with arginine.
Molecular consequence: missense variant.
Genome position (GRCh38, 1-based): chr9:78,243,594, T>C. VCF-style: chr9-78243594-T-C. GRCh37 (hg19) VCF-style: chr9-80858510-T-C.
Other names: c.736T>C, p.Cys246Arg (NM_001098802.3, NM_001330693.3, NM_001330694.2 and 4 more transcripts); short protein forms C246R.
Identifiers: ClinVar variation 1036412 (VCV001036412.8), dbSNP rs1826335684, ClinGen allele CA374000664.